The following is an entry in ClinVar:

NM_014915.3(ANKRD26):c.2559+3A>G

Gene: ANKRD26 (ankyrin repeat domain 26; minus strand). Cytogenetic location: 10p12.1.
Variant type: single nucleotide variant.
Coding change: c.2559+3A>G on transcript NM_014915.3 (MANE Select); 3 bases into the intron after coding-DNA position 2559, A replaced by G.
Molecular consequence: intron variant.
Genome position (GRCh38, 1-based): chr10:27,037,868, T>C on the plus strand (A>G on the coding strand, the complement: ANKRD26 is on the minus strand). VCF-style: chr10-27037868-T-C. GRCh37 (hg19) VCF-style: chr10-27326797-T-C.
Other names: p.?; c.2556+3A>G (NM_001256053.2).
Identifiers: ClinVar variation 1337722 (VCV001337722.12), dbSNP rs192827581, ClinGen allele CA5448204.
Genomic context (GRCh38, chr10:27,037,868, plus strand): 5'-GGATGTGATAATAGTGATGAAATAAAGTTAAAAATATAAAATTTTTATCAAAAATTAATT[T>C]ACCTGATTCAAATTACTTTTTACAGTCCTCAATTCCATCTCCAGTGTTTGGAGACTCAGT-3'

ClinVar aggregate classification (germline): Conflicting classifications of pathogenicity. Review status: criteria provided, conflicting classifications (1 of 4 stars). 5 submissions from 5 submitters: Uncertain significance (1); Benign (1); Likely benign (2). 1 of the submissions does not count toward it. Last evaluated 2026-01-29.

Conditions:
ANKRD26-related disorder. Also called: ANKRD26-related condition.

Allele frequency attached by ClinVar (database versions not stated): gnomAD exomes 0.00022 and 0.00061; ExAC 0.00083; 1000 Genomes Project 0.00220; ESP Exome Variant Server 0.00223; gnomAD 0.00234 and 0.00257; 1000 Genomes Project 30x 0.00265; TOPMed 0.00284.
gnomAD v4.1: 691 of 1,600,380 alleles (0.043%); highest among the groups gnomAD compares: African/African-American, 0.81%; 4 homozygotes.

Submissions (5):

Labcorp Genetics (formerly Invitae), Labcorp
Classification: Benign. Last evaluated: 2026-01-29. Review status: criteria provided, single submitter. Criteria: Invitae Variant Classification Sherloc (09022015). Collection method: clinical testing. Allele origin: germline.

Mayo Clinic Laboratories, Mayo Clinic
Classification: Uncertain significance. Last evaluated: 2025-06-03. Review status: criteria provided, single submitter. Criteria: ACMG Guidelines, 2015. Collection method: clinical testing. Allele origin: germline. Observed: 2 variant alleles.

Blueprint Genetics
Classification: Likely benign. Last evaluated: 2024-11-25. Review status: criteria provided, single submitter. Criteria: ACMG Guidelines, 2015. Collection method: clinical testing. Allele origin: germline.

Genetic Services Laboratory, University of Chicago
Classification: Likely benign. Last evaluated: 2020-12-29. Review status: criteria provided, single submitter. Criteria: ACMG Guidelines, 2015. Collection method: clinical testing. Allele origin: germline. Affected: no.

PreventionGenetics, part of Exact Sciences
Classification: Benign for ANKRD26-related condition. Last evaluated: 2019-11-05. Review status: no assertion criteria provided. Collection method: clinical testing. Allele origin: germline. Not counted in ClinVar's aggregate classification.
Comment: This variant is classified as benign based on ACMG/AMP sequence variant interpretation guidelines (Richards et al. 2015 PMID: 25741868, with internal and published modifications).